The following is an entry in ClinVar:

NM_001148.6(ANK2):c.2337C>T (p.Val779=)

Gene: ANK2 (ankyrin 2; plus strand). Cytogenetic location: 4q26.
Variant type: single nucleotide variant.
Coding change: c.2337C>T on transcript NM_001148.6 (MANE Select); coding-DNA position 2337, C replaced by T.
Protein change: p.Val779=; no amino-acid change (valine 779 retained).
Molecular consequence: synonymous variant.
Genome position (GRCh38, 1-based): chr4:113,292,475, C>T. VCF-style: chr4-113292475-C-T. GRCh37 (hg19) VCF-style: chr4-114213631-C-T.
Other names: p.Val779=; c.2337C>T (NM_020977.4, NM_001148.5); c.2274C>T, p.Val758= (NM_001127493.3, NM_001354239.2, NM_001354243.2 and 10 more transcripts); c.2337C>T, p.Val779= (NM_001354225.2, NM_001354228.2, NM_001354232.2 and 6 more transcripts); c.2382C>T, p.Val794= (NM_001354230.2, NM_001354231.2, NM_001354237.2 and 5 more transcripts); c.2238C>T, p.Val746= (NM_001354245.2, NM_001354268.2); c.2250C>T, p.Val750= (NM_001354249.2, NM_001354264.2, NM_001354266.2 and 10 more transcripts); c.2175C>T, p.Val725= (NM_001354253.2, NM_001354257.2, NM_001354270.2 and 1 more transcripts); and 10 more.
Identifiers: ClinVar variation 263475 (VCV000263475.28), dbSNP rs29341, ClinGen allele CA3050522.

ClinVar aggregate classification (germline): Benign/Likely benign. Review status: criteria provided, multiple submitters, no conflicts (2 of 4 stars). 11 submissions from 11 submitters: Benign (8); Likely benign (1). 2 of the submissions do not count toward it. Last evaluated 2026-02-03.

Conditions:
Cardiovascular phenotype. Identifiers: MedGen CN230736.
Long QT syndrome (LQTS). Identifiers: MedGen C0023976, MeSH D008133, MONDO:0002442. Disease mechanism: loss of function. Inheritance: Various modes of inheritance.
Cardiac arrhythmia, ankyrin-B-related. Also called: ANKYRIN-B SYNDROME. Identifiers: Orphanet 101016, Orphanet 768, MedGen C1970119, MONDO:0010958, OMIM 600919.

Allele frequency attached by ClinVar (database versions not stated): 1000 Genomes Project 30x 0.02155; 1000 Genomes Project 0.02157; gnomAD exomes 0.02886 and 0.03548; TOPMed 0.03092; ESP Exome Variant Server 0.03322; gnomAD 0.03368 and 0.03480; ExAC 0.03634.
gnomAD v4.1: 56,602 of 1,611,660 alleles (3.5%); highest among the groups gnomAD compares: Non-Finnish European, 3.8%; 1,160 homozygotes.

Submissions (11):

Labcorp Genetics (formerly Invitae), Labcorp
Classification: Benign for Long QT syndrome. Last evaluated: 2026-02-03. Review status: criteria provided, single submitter. Criteria: Invitae Variant Classification Sherloc (09022015). Collection method: clinical testing. Allele origin: germline.

Molecular Diagnostic Laboratory for Inherited Cardiovascular Disease, Montreal Heart Institute
Classification: Benign. Last evaluated: 2025-04-09. Review status: criteria provided, single submitter. Criteria: ACMG Guidelines, 2015. Collection method: clinical testing. Allele origin: germline. Affected: no.

Blueprint Genetics
Classification: Likely benign. Last evaluated: 2024-11-26. Review status: criteria provided, single submitter. Criteria: ACMG Guidelines, 2015. Collection method: clinical testing. Allele origin: germline.

Genome-Nilou Lab
Classification: Benign for Cardiac arrhythmia, ankyrin-B-related. Last evaluated: 2021-12-05. Review status: criteria provided, single submitter. Criteria: ACMG Guidelines, 2015. Collection method: clinical testing. Allele origin: germline. Affected: no.

Illumina Laboratory Services, Illumina
Classification: Benign for Cardiac arrhythmia, ankyrin-B-related. Last evaluated: 2018-01-13. Review status: criteria provided, single submitter. Criteria: ICSL Variant Classification Criteria 13 December 2019. Collection method: clinical testing. Allele origin: germline.
Comment: This variant was observed in the ICSL laboratory as part of a predisposition screen in an ostensibly healthy population. It had not been previously curated by ICSL or reported in the Human Gene Mutation Database (HGMD: prior to June 1st, 2018), and was therefore a candidate for classification through an automated scoring system. Utilizing variant allele frequency, disease prevalence and penetrance estimates, and inheritance mode, an automated score was calculated to assess if this variant is too frequent to cause the disease. Based on the score and internal cut-off values, a variant classified as benign is not then subjected to further curation. The score for this variant resulted in a classification of benign for this disease.

Ambry Genetics
Classification: Benign for Cardiovascular phenotype. Last evaluated: 2015-06-19. Review status: criteria provided, single submitter. Criteria: Ambry Variant Classification Scheme 2023. Collection method: clinical testing. Allele origin: germline.

Mayo Clinic Laboratories, Mayo Clinic
Classification: Benign. Last evaluated: 2015-04-29. Review status: criteria provided, single submitter. Criteria: ACMG Guidelines, 2015. Collection method: clinical testing. Allele origin: germline. Observed: 50 variant alleles.

GeneDx
Classification: Benign. Last evaluated: 2015-03-03. Review status: criteria provided, single submitter. Criteria: GeneDx Variant Classification Process June 2021. Collection method: clinical testing. Allele origin: germline. Affected: yes.

Breakthrough Genomics
Classification: Benign. Review status: criteria provided, single submitter. Criteria: ACMG Guidelines, 2015. Collection method: not provided. Allele origin: germline. Inheritance: Autosomal dominant inheritance. Affected: yes.

Clinical Genetics, Academic Medical Center
Classification: Benign. Review status: no assertion criteria provided. Collection method: clinical testing. Allele origin: germline. Affected: yes. Study: VKGL Data-share Consensus. Not counted in ClinVar's aggregate classification.

Joint Genome Diagnostic Labs from Nijmegen and Maastricht, Radboudumc and MUMC+
Classification: Benign. Review status: no assertion criteria provided. Collection method: clinical testing. Allele origin: germline. Affected: yes. Study: VKGL Data-share Consensus. Not counted in ClinVar's aggregate classification.